The following is an entry in ClinVar:

NM_021922.3(FANCE):c.1510-11C>T

Gene: FANCE (FA complementation group E; plus strand). Cytogenetic location: 6p21.31.
Variant type: single nucleotide variant.
Coding change: c.1510-11C>T on transcript NM_021922.3 (MANE Select); 11 bases into the intron before coding-DNA position 1510, C replaced by T.
Molecular consequence: intron variant.
Genome position (GRCh38, 1-based): chr6:35,466,233, C>T. VCF-style: chr6-35466233-C-T. GRCh37 (hg19) VCF-style: chr6-35434010-C-T.
Identifiers: ClinVar variation 210981 (VCV000210981.50), dbSNP rs189384185, ClinGen allele CA207059.

ClinVar aggregate classification (germline): Conflicting classifications of pathogenicity. Review status: criteria provided, conflicting classifications (1 of 4 stars). 7 submissions from 7 submitters: Uncertain significance (1); Benign (3); Likely benign (3). Last evaluated 2026-02-04.

Conditions:
Fanconi anemia complementation group E (FANCE). Also called: FANCE-Related Fanconi Anemia. Identifiers: Orphanet 84, MedGen C3160739, MONDO:0010953, OMIM 600901.

Allele frequency attached by ClinVar (database versions not stated): 1000 Genomes Project 30x 0.00031; 1000 Genomes Project 0.00040; TOPMed 0.00188; ESP Exome Variant Server 0.00223; ExAC 0.00235; gnomAD 0.00271 and 0.00297; gnomAD exomes 0.00278.

Submissions (7):

Labcorp Genetics (formerly Invitae), Labcorp
Classification: Benign for Fanconi anemia complementation group E. Last evaluated: 2026-02-04. Review status: criteria provided, single submitter. Criteria: Invitae Variant Classification Sherloc (09022015). Collection method: clinical testing. Allele origin: germline.

CeGaT Center for Human Genetics Tuebingen
Classification: Benign. Last evaluated: 2026-01-01. Review status: criteria provided, single submitter. Criteria: CeGaT Center For Human Genetics Tuebingen Variant Classification Criteria Version 2. Collection method: clinical testing. Allele origin: germline. Affected: yes. Observed: 7 variant alleles.
Comment: FANCE: BS1, BS2

Blueprint Genetics
Classification: Likely benign. Last evaluated: 2024-11-19. Review status: criteria provided, single submitter. Criteria: ACMG Guidelines, 2015. Collection method: clinical testing. Allele origin: germline.

Institute for Clinical Genetics, University Hospital TU Dresden, University Hospital TU Dresden
Classification: Likely benign. Last evaluated: 2021-11-03. Review status: criteria provided, single submitter. Criteria: ACMG Guidelines, 2015. Collection method: clinical testing. Allele origin: germline.

GeneDx
Classification: Likely benign. Last evaluated: 2019-07-26. Review status: criteria provided, single submitter. Criteria: GeneDx Variant Classification Process June 2021. Collection method: clinical testing. Allele origin: germline. Affected: yes.

Genetic Services Laboratory, University of Chicago
Classification: Benign. Last evaluated: 2019-06-26. Review status: criteria provided, single submitter. Criteria: ACMG Guidelines, 2015. Collection method: clinical testing. Allele origin: germline. Affected: no.

Illumina Laboratory Services, Illumina
Classification: Uncertain significance for Fanconi anemia complementation group E. Last evaluated: 2018-01-13. Review status: criteria provided, single submitter. Criteria: ICSL Variant Classification Criteria 13 December 2019. Collection method: clinical testing. Allele origin: germline.